The following is an entry in ClinVar:

NM_000051.4(ATM):c.7468C>T (p.Leu2490Phe)

Genes: C11orf65 (chromosome 11 open reading frame 65; minus strand), ATM (ATM serine/threonine kinase; plus strand). Cytogenetic location: 11q22.3.
Variant type: single nucleotide variant.
Coding change: c.7468C>T on transcript NM_000051.4 (MANE Select); coding-DNA position 7468, C replaced by T.
Protein change: p.Leu2490Phe; replaces leucine 2490 with phenylalanine.
Molecular consequence: missense variant. On other transcripts: intron variant (2).
Genome position (GRCh38, 1-based): chr11:108,330,374, C>T. VCF-style: chr11-108330374-C-T. GRCh37 (hg19) VCF-style: chr11-108201101-C-T.
Other names: c.7468C>T, p.Leu2490Phe (NM_001351834.2); c.641-21303G>A (NM_001330368.2); c.*38+4846G>A (NM_001351110.2); short protein forms L2490F.
Identifiers: ClinVar variation 229889 (VCV000229889.29), dbSNP rs753262623, ClinGen allele CA6266112.

ClinVar aggregate classification (germline): Uncertain significance. Review status: criteria provided, multiple submitters, no conflicts (2 of 4 stars). 9 submissions from 9 submitters: Uncertain significance (9). Last evaluated 2025-11-19.

Conditions:
Hereditary cancer-predisposing syndrome. Also called: Neoplastic Syndromes, Hereditary; Hereditary neoplastic syndrome; Tumor predisposition; Hereditary Cancer Syndrome. Identifiers: Orphanet 140162, MedGen C0027672, MeSH D009386, MONDO:0015356.
Ataxia-telangiectasia syndrome (AT). Also called: Ataxia telangiectasia (A-T); Cerebello-oculocutaneous telangiectasia; Immunodeficiency with ataxia telangiectasia; LOUIS-BAR SYNDROME; AT, COMPLEMENTATION GROUP C; ATAXIA-TELANGIECTASIA, FRESNO VARIANT. Identifiers: Orphanet 100, MedGen C0004135, MONDO:0008840, OMIM 208900.
Familial cancer of breast. Also called: hereditary breast carcinoma; Hereditary breast cancer; BREAST CANCER, FAMILIAL. Identifiers: Orphanet 227535, MedGen C0346153, MONDO:0016419, OMIM 114480. Disease mechanism: loss of function.

Allele frequency attached by ClinVar (database versions not stated): gnomAD exomes below 0.00001 and 0.00001; ExAC 0.00002.
gnomAD v4.1: 4 of 1,614,122 alleles (0.00025%); highest among the groups gnomAD compares: South Asian, 0.0011%; no homozygotes.

Submissions (9):

Labcorp Genetics (formerly Invitae), Labcorp
Classification: Uncertain significance for Ataxia-telangiectasia syndrome. Last evaluated: 2025-11-19. Review status: criteria provided, single submitter. Criteria: Invitae Variant Classification Sherloc (09022015). Collection method: clinical testing. Allele origin: germline.
Comment: This sequence change replaces leucine, which is neutral and non-polar, with phenylalanine, which is neutral and non-polar, at codon 2490 of the ATM protein (p.Leu2490Phe). This variant is present in population databases (rs753262623, gnomAD 0.003%). This missense change has been observed in individual(s) with breast cancer and/or lung adenocarcinoma (PMID: 26689913, 30613976, 32365829). ClinVar contains an entry for this variant (Variation ID: 229889). Invitae Evidence Modeling of protein sequence and biophysical properties (such as structural, functional, and spatial information, amino acid conservation, physicochemical variation, residue mobility, and thermodynamic stability) indicates that this missense variant is expected to disrupt ATM protein function with a positive predictive value of 80%. In summary, the available evidence is currently insufficient to determine the role of this variant in disease. Therefore, it has been classified as a Variant of Uncertain Significance.

Women's Health and Genetics/Laboratory Corporation of America, LabCorp
Classification: Uncertain significance. Last evaluated: 2025-07-30. Review status: criteria provided, single submitter. Criteria: LabCorp Variant Classification Summary - May 2015. Collection method: clinical testing. Allele origin: germline.
Comment: Variant summary: ATM c.7468C>T (p.Leu2490Phe) results in a non-conservative amino acid change located in the PIK-related kinase domain (IPR014009) of the encoded protein sequence. Algorithms developed to predict the effect of missense changes on protein structure and function all suggest that this variant is likely to be disruptive. The variant allele was found at a frequency of 8e-06 in 251294 control chromosomes. The available data on variant occurrences in the general population are insufficient to allow any conclusion about variant significance. c.7468C>T has been observed in individual(s) affected with lung adenocarcinoma and male breast cancer (Parry_2017, Lu_2015, Rizzolo_2019). These report(s) do not provide unequivocal conclusions about association of the variant with Breast Cancer. To our knowledge, no experimental evidence demonstrating an impact on protein function has been reported. The following publications have been ascertained in the context of this evaluation (PMID: 26689913, 25320358, 22674506, 24920063, 28843361, 30613976, 32365829). ClinVar contains an entry for this variant (Variation ID: 229889). Based on the evidence outlined above, the variant was classified as uncertain significance.

GeneDx
Classification: Uncertain significance. Last evaluated: 2025-06-26. Review status: criteria provided, single submitter. Criteria: GeneDx Variant Classification Process June 2021. Collection method: clinical testing. Allele origin: germline. Affected: yes.
Comment: Not observed at significant frequency in large population cohorts (gnomAD); In silico analysis supports that this missense variant has a deleterious effect on protein structure/function; This variant is associated with the following publications: (PMID: 25320358, 23532176, 22674506, 32365829, 24920063, 30613976, 28843361, 26689913)

Ambry Genetics
Classification: Uncertain significance for Hereditary cancer-predisposing syndrome. Last evaluated: 2024-07-09. Review status: criteria provided, single submitter. Criteria: Ambry Variant Classification Scheme 2023. Collection method: clinical testing. Allele origin: germline.
Comment: The p.L2490F variant (also known as c.7468C>T), located in coding exon 49 of the ATM gene, results from a C to T substitution at nucleotide position 7468. The leucine at codon 2490 is replaced by phenylalanine, an amino acid with highly similar properties. This amino acid position is highly conserved in available vertebrate species. In addition, this alteration is predicted to be deleterious by in silico analysis. Based on the available evidence, the clinical significance of this variant remains unclear.

Color Diagnostics, LLC DBA Color Health
Classification: Uncertain significance for Hereditary cancer-predisposing syndrome. Last evaluated: 2024-06-24. Review status: criteria provided, single submitter. Criteria: ACMG Guidelines, 2015. Collection method: clinical testing. Allele origin: germline.
Comment: This missense variant replaces leucine with phenylalanine at codon 2490 of the ATM protein. Computational prediction suggests that this variant may have deleterious impact on protein structure and function. To our knowledge, functional studies have not been reported for this variant. This variant has been reported in individuals affected with male breast cancer (PMID: 30613976) and lung adenocarcinoma (PMID: 26689913). This variant has also been identified in 2/251294 chromosomes in the general population by the Genome Aggregation Database (gnomAD). The available evidence is insufficient to determine the role of this variant in disease conclusively. Therefore, this variant is classified as a Variant of Uncertain Significance.

KCCC/NGS Laboratory, Kuwait Cancer Control Center
Classification: Uncertain significance for Familial cancer of breast. Last evaluated: 2024-02-19. Review status: criteria provided, single submitter. Criteria: ACMG Guidelines, 2015. Collection method: clinical testing. Allele origin: germline. Inheritance: Autosomal dominant inheritance. Affected: yes. Observed: 1 heterozygote.
Comment: This sequence change replaces leucine, which is neutral and non-polar, with phenylalanine, which is neutral and non-polar, at codon 2490 of the ATM protein (p.Leu2490Phe). This variant is present in population databases (rs753262623, gnomAD 0.003%). This missense change has been observed in individual(s) with breast cancer and/or lung adenocarcinoma (PMID: 26689913, 30613976, 32365829). ClinVar contains an entry for this variant (Variation ID: 229889). Algorithms developed to predict the effect of missense changes on protein structure and function are either unavailable or do not agree on the potential impact of this missense change (SIFT: "Deleterious"; PolyPhen-2: "Probably Damaging"; Align-GVGD: "Class C15"). In summary, the available evidence is currently insufficient to determine the role of this variant in disease. Therefore, it has been classified as a Variant of Uncertain Significance. Heterozygous pathogenic/likely pathogenic variants in the ATM gene cause familial susceptibility to breast cancer (OMIM 114480).

Quest Diagnostics Nichols Institute San Juan Capistrano
Classification: Uncertain significance. Last evaluated: 2023-12-28. Review status: criteria provided, single submitter. Criteria: Quest Diagnostics criteria. Collection method: clinical testing. Allele origin: unknown.

Institute for Clinical Genetics, University Hospital TU Dresden, University Hospital TU Dresden
Classification: Uncertain significance. Last evaluated: 2021-11-03. Review status: criteria provided, single submitter. Criteria: ACMG Guidelines, 2015. Collection method: clinical testing. Allele origin: germline.

Department of Pathology and Laboratory Medicine, Sinai Health System
Classification: Uncertain significance for Familial cancer of breast. Last evaluated: 2021-05-20. Review status: criteria provided, single submitter. Criteria: ACMG Guidelines, 2015. Collection method: clinical testing. Allele origin: germline. Affected: yes.

Literature cited by the submitters: PubMed 26689913 (cited by 4 submitters); PubMed 30613976 (cited by 5 submitters); PubMed 32365829 (cited by 3 submitters); PubMed 25320358 (cited by Women's Health and Genetics/Laboratory Corporation of America, LabCorp); PubMed 22674506 (cited by Women's Health and Genetics/Laboratory Corporation of America, LabCorp); PubMed 24920063 (cited by Women's Health and Genetics/Laboratory Corporation of America, LabCorp); PubMed 28843361 (cited by Women's Health and Genetics/Laboratory Corporation of America, LabCorp and Quest Diagnostics Nichols Institute San Juan Capistrano).